The following is an entry in ClinVar:

NC_000009.12:g.35658026_35658030dup

Gene: RMRP (RNA component of mitochondrial RNA processing endoribonuclease; minus strand). Cytogenetic location: 9p13.3.
Variant type: Duplication.
Genome position: GRCh38 VCF-style: chr9-35658023-C-CCTCAG. GRCh37 (hg19) VCF-style: chr9-35658020-C-CCTCAG.
Identifiers: ClinVar variation 1046909 (VCV001046909.6), dbSNP rs1823638139, ClinGen allele CA1123199799.

ClinVar aggregate classification (germline): Uncertain significance (1 of 4 stars; one submission).

Conditions:
Anauxetic dysplasia. Identifiers: Orphanet 93347, MedGen C1846796, MONDO:0011773.

Submission:

Labcorp Genetics (formerly Invitae), Labcorp
Classification: Uncertain significance for Anauxetic dysplasia. Last evaluated: 2021-07-14. Review status: criteria provided, single submitter. Criteria: Invitae Variant Classification Sherloc (09022015). Collection method: clinical testing. Allele origin: germline.
Comment: This variant occurs in the RMRP gene, which encodes an RNA molecule that does not result in a protein product. The frequency data for this variant in the population databases is considered unreliable, as metrics indicate insufficient coverage at this position in the ExAC database. This variant has not been reported in the literature in individuals affected with RMRP-related conditions. Experimental studies and prediction algorithms are not available or were not evaluated, and the functional significance of this variant is currently unknown. In summary, the available evidence is currently insufficient to determine the role of this variant in disease. Therefore, it has been classified as a Variant of Uncertain Significance.